The following is an entry in ClinVar:

NM_000152.5(GAA):c.1396G>T (p.Val466Phe)

Gene: GAA (alpha glucosidase; plus strand). Cytogenetic location: 17q25.3.
Variant type: single nucleotide variant.
Coding change: c.1396G>T on transcript NM_000152.5 (MANE Select); coding-DNA position 1396, G replaced by T.
Protein change: p.Val466Phe; replaces valine 466 with phenylalanine.
Molecular consequence: missense variant.
Genome position (GRCh38, 1-based): chr17:80,110,014, G>T. VCF-style: chr17-80110014-G-T. GRCh37 (hg19) VCF-style: chr17-78083813-G-T.
Other names: c.1396G>T, p.Val466Phe (NM_001079803.3, NM_001079804.3, NM_001406741.1 and 1 more transcripts); short protein forms V466F.
Identifiers: ClinVar variation 2154447 (VCV002154447.6), dbSNP rs375006053, ClinGen allele CA401366509.

ClinVar aggregate classification (germline): Pathogenic/Likely pathogenic. Review status: criteria provided, multiple submitters, no conflicts (2 of 4 stars). 3 submissions from 3 submitters: Pathogenic (1); Likely pathogenic (2). Last evaluated 2026-07-01.

Conditions:
Glycogen storage disease, type II (IOPD). Also called: CARDIOMEGALIA GLYCOGENICA DIFFUSA; GLYCOGENOSIS, GENERALIZED, CARDIAC FORM; GSD II; Glycogen storage disease type 2; Acid maltase deficiency disease; Aglucosidase alfa. Identifiers: Orphanet 365, MedGen C0017921, MONDO:0009290, OMIM 232300.

Submissions (3):

Genomenon, Inc
Classification: Pathogenic for Glycogen storage disease, type II. Last evaluated: 2026-07-01. Review status: criteria provided, single submitter. Criteria: Genomenon Sequence Variant Interpretation Standards - Updated. Collection method: curation. Allele origin: germline. Affected: yes.
Comment: GAA p.Val466Phe (c.1396G>T) is a missense variant that changes the amino acid at codon 466 from Valine to Phenylalanine. This variant has been observed in at least one proband with a GAA-related disorder in the compound heterozygous and/or homozygous state (PMID:36137614;34852371;31953985;18757064). At least one functional study has demonstrated a substantial alteration in protein function relative to the wild-type (PMID:18425781). It is absent or not present at a significant frequency in gnomAD. In silico models predict that this variant is possibly or probably damaging. In conclusion, we classify GAA p.Val466Phe (c.1396G>T) as a pathogenic variant.

3billion
Classification: Likely pathogenic for Glycogen storage disease, type II. Last evaluated: 2024-07-31. Review status: criteria provided, single submitter. Criteria: ACMG Guidelines, 2015. Collection method: clinical testing. Allele origin: germline. Affected: yes.
Comment: The variant is observed at an extremely low frequency in the gnomAD v4.0.0 dataset (total allele frequency: <0.001%). Predicted Consequence/Location: Missense variant: previously reported reducing expression level of the gene from an in vitro assay (PMID: 18425781). Damaging effect on gene or gene product predicted by in silico programs is uncertain [REVEL: 0.81 (damaging >=0.6, benign <0.4), 3Cnet: 0.99 (damaging >=0.6, benign <0.15)]. Missense variant: previously reported reducing expression level of the gene from an in vitro assay (PMID: 18425781). Therefore, this variant is classified as Likely pathogenic according to the recommendation of ACMG/AMP guideline.

Labcorp Genetics (formerly Invitae), Labcorp
Classification: Likely pathogenic for Glycogen storage disease, type II. Last evaluated: 2022-10-06. Review status: criteria provided, single submitter. Criteria: Invitae Variant Classification Sherloc (09022015). Collection method: clinical testing. Allele origin: germline.
Comment: In summary, the currently available evidence indicates that the variant is pathogenic, but additional data are needed to prove that conclusively. Therefore, this variant has been classified as Likely Pathogenic. This variant disrupts the p.Val466 amino acid residue in GAA. Other variant(s) that disrupt this residue have been determined to be pathogenic (PMID: 17056254, 19862843). This suggests that this residue is clinically significant, and that variants that disrupt this residue are likely to be disease-causing. Experimental studies have shown that this missense change affects GAA function (PMID: 18425781). Advanced modeling of protein sequence and biophysical properties (such as structural, functional, and spatial information, amino acid conservation, physicochemical variation, residue mobility, and thermodynamic stability) performed at Invitae indicates that this missense variant is expected to disrupt GAA protein function. This missense change has been observed in individual(s) with Pompe disease (PMID: 18425781, 24513544, 31342611, 31953985). This variant is not present in population databases (gnomAD no frequency). This sequence change replaces valine, which is neutral and non-polar, with phenylalanine, which is neutral and non-polar, at codon 466 of the GAA protein (p.Val466Phe).

Literature cited by the submitters: PubMed 36137614 (cited by Genomenon, Inc); PubMed 34852371 (cited by Genomenon, Inc); PubMed 31953985 (cited by Genomenon, Inc and Labcorp Genetics (formerly Invitae), Labcorp); PubMed 18757064 (cited by Genomenon, Inc); PubMed 18425781 (cited by 3 submitters); PubMed 24513544 (cited by 3billion and Labcorp Genetics (formerly Invitae), Labcorp); PubMed 17056254 (cited by Labcorp Genetics (formerly Invitae), Labcorp); PubMed 19862843 (cited by Labcorp Genetics (formerly Invitae), Labcorp); PubMed 31342611 (cited by Labcorp Genetics (formerly Invitae), Labcorp).